The following is an entry in ClinVar:

ClinVar aggregate classification (germline): Uncertain significance (1 of 4 stars; one submission).

Conditions:
Hereditary spastic paraplegia 64. Also called: ENTPD1-Related Neurodevelopmental Disorder; Spastic paraplegia 64, autosomal recessive. Identifiers: Orphanet 401810, MedGen C3810289, MONDO:0014303, OMIM 615683.

Allele frequency attached by ClinVar (database versions not stated): gnomAD 0.00001; TOPMed 0.00001; gnomAD exomes 0.00002.
gnomAD v4.1: 62 of 1,614,120 alleles (0.0038%); highest among the groups gnomAD compares: Non-Finnish European, 0.0052%; no homozygotes.

Submission:

Labcorp Genetics (formerly Invitae), Labcorp
Classification: Uncertain significance for Hereditary spastic paraplegia 64. Last evaluated: 2021-12-02. Review status: criteria provided, single submitter. Criteria: Invitae Variant Classification Sherloc (09022015). Collection method: clinical testing. Allele origin: germline.
Comment: This variant has not been reported in the literature in individuals affected with ENTPD1-related conditions. In summary, the available evidence is currently insufficient to determine the role of this variant in disease. Therefore, it has been classified as a Variant of Uncertain Significance. Algorithms developed to predict the effect of missense changes on protein structure and function output the following: SIFT: "Tolerated"; PolyPhen-2: "Benign"; Align-GVGD: "Class C0". The isoleucine amino acid residue is found in multiple mammalian species, which suggests that this missense change does not adversely affect protein function. This variant is present in population databases (no rsID available, gnomAD 0.003%). This sequence change replaces valine, which is neutral and non-polar, with isoleucine, which is neutral and non-polar, at codon 199 of the ENTPD1 protein (p.Val199Ile).

NM_001776.6(ENTPD1):c.595G>A (p.Val199Ile)

Genes: ENTPD1 (ectonucleoside triphosphate diphosphohydrolase 1; plus strand), ENTPD1-AS1 (ENTPD1 antisense RNA 1; minus strand). Cytogenetic location: 10q24.1.
Variant type: single nucleotide variant.
Coding change: c.595G>A on transcript NM_001776.6 (MANE Select); coding-DNA position 595, G replaced by A.
Protein change: p.Val199Ile; replaces valine 199 with isoleucine.
Molecular consequence: missense variant.
Genome position (GRCh38, 1-based): chr10:95,845,378, G>A. VCF-style: chr10-95845378-G-A. GRCh37 (hg19) VCF-style: chr10-97605135-G-A.
Other names: c.616G>A, p.Val206Ile (NM_001098175.2); c.631G>A, p.Val211Ile (NM_001164178.1, NM_001320916.1); c.595G>A, p.Val199Ile (NM_001164179.2); c.271G>A, p.Val91Ile (NM_001164181.1, NM_001312654.1); c.181G>A, p.Val61Ile (NM_001164182.2, NM_001164183.2); short protein forms V199I, V91I, V211I, V206I, V61I.
Identifiers: ClinVar variation 1516784 (VCV001516784.4), dbSNP rs911744459, ClinGen allele CA212154701.